The following is an entry in ClinVar:

NM_000388.4(CASR):c.499T>A (p.Tyr167Asn)

Gene: CASR (calcium sensing receptor; plus strand). Cytogenetic location: 3q21.1.
Variant type: single nucleotide variant.
Coding change: c.499T>A on transcript NM_000388.4 (MANE Select); coding-DNA position 499, T replaced by A.
Protein change: p.Tyr167Asn; replaces tyrosine 167 with asparagine.
Molecular consequence: missense variant.
Genome position (GRCh38, 1-based): chr3:122,261,534, T>A. VCF-style: chr3-122261534-T-A. GRCh37 (hg19) VCF-style: chr3-121980381-T-A.
Other names: c.499T>A, p.Tyr167Asn (NM_001178065.2); short protein forms Y167N.
Identifiers: ClinVar variation 421379 (VCV000421379.2), dbSNP rs1064795096, ClinGen allele CA16617812.
Genomic context (GRCh38, chr3:122,261,534, plus strand): 5'-AGCACCTCTTCACTCACTCACTCACTCATTCACCATGTTCTTGGTTCTCTCCAGGTCAGT[T>A]ATGCCTCCTCCAGCAGACTCCTCAGCAACAAGAATCAATTCAAGTCTTTCCTCCGAACCA-3'
Protein context (NP_000379.3, residues 157-177): LGLFYIPQVS[Tyr167Asn]ASSSRLLSNK

ClinVar aggregate classification (germline): Uncertain significance (1 of 4 stars; one submission).

Submission:

GeneDx
Classification: Uncertain significance. Last evaluated: 2016-06-01. Review status: criteria provided, single submitter. Criteria: GeneDx Variant Classification (06012015). Collection method: clinical testing. Allele origin: germline. Affected: yes.
Comment: A variant of uncertain significance has been identified in the CASR gene. The Y167N variant has not been published as a pathogenic variant, nor has it been reported as a benign variant to our knowledge. The variant was not observed in approximately 6,500 individuals of European and African American ancestry in the NHLBI Exome Sequencing Project, indicating it is not a common benign variant in these populations. Y167N is a semi-conservative amino acid substitution, which may impact secondary protein structure as these residues differ in some properties. This substitution occurs at a position that is conserved across species, and in silico analysis predicts this variant is probably damaging to the protein structure/function. Therefore, based on the currently available information, it is unclear whether this variant is a pathogenic variant or a rare benign variant.